The following is an entry in ClinVar:

NM_005612.5(REST):c.643C>T (p.Pro215Ser)

Gene: REST (RE1 silencing transcription factor; plus strand). Cytogenetic location: 4q12.
Variant type: single nucleotide variant.
Coding change: c.643C>T on transcript NM_005612.5 (MANE Select); coding-DNA position 643, C replaced by T.
Protein change: p.Pro215Ser; replaces proline 215 with serine.
Molecular consequence: missense variant.
Genome position (GRCh38, 1-based): chr4:56,911,281, C>T. VCF-style: chr4-56911281-C-T. GRCh37 (hg19) VCF-style: chr4-57777447-C-T.
Other names: p.Pro215Ser; c.643C>T, p.Pro215Ser (NM_001193508.2, NM_001363453.3, NM_001440532.1 and 1 more transcripts); short protein forms P215S.
Identifiers: ClinVar variation 4540981 (VCV004540981.1).
Genomic context (GRCh38, chr4:56,911,281, plus strand): 5'-CAGGCAAAAGCCAGGGAATCTGGCTCTTCCACTGCAGAAGAGGGAGATTTCTCCAAGGGC[C>T]CCATTCGCTGTGACCGCTGCGGCTACAATACTAATCGATATGATCACTATACAGCACACC-3'
Protein context (NP_005603.3, residues 205-225): TAEEGDFSKG[Pro215Ser]IRCDRCGYNT

ClinVar aggregate classification (germline): Uncertain significance (1 of 4 stars; one submission).

Submission:

Mayo Clinic Laboratories, Mayo Clinic
Classification: Uncertain significance. Last evaluated: 2025-11-26. Review status: criteria provided, single submitter. Criteria: ACMG Guidelines, 2015. Collection method: clinical testing. Allele origin: germline. Observed: 1 variant allele.
Comment: BP4, PM2_supporting